The following is an entry in ClinVar:

ClinVar aggregate classification (germline): Conflicting classifications of pathogenicity. Review status: criteria provided, conflicting classifications (1 of 4 stars). 2 submissions from 2 submitters: Uncertain significance (1); Likely benign (1). Last evaluated 2025-12-02.

Conditions:
Gorlin syndrome. Also called: Basal cell nevus syndrome; Nevoid Basal Cell Carcinoma Syndrome. Identifiers: Orphanet 377, MedGen C0004779, MONDO:0007187.
Medulloblastoma (MDB). Also called: Medulloblastoma, somatic; MEDULLOBLASTOMA PREDISPOSITION SYNDROME. Identifiers: Orphanet 616, MedGen C0025149, MeSH D008527, MONDO:0007959, OMIM 155255, HP:0002885.
Hereditary cancer-predisposing syndrome. Also called: Neoplastic Syndromes, Hereditary; Hereditary Cancer Syndrome; Tumor predisposition; Hereditary neoplastic syndrome. Identifiers: Orphanet 140162, MedGen C0027672, MeSH D009386, MONDO:0015356.

Allele frequency attached by ClinVar (database versions not stated): gnomAD exomes below 0.00001; gnomAD 0.00001.
gnomAD v4.1: 2 of 1,610,996 alleles (0.00012%); highest among the groups gnomAD compares: African/African-American, 0.0013%; no homozygotes.

Submissions (2):

Labcorp Genetics (formerly Invitae), Labcorp
Classification: Uncertain significance for Gorlin syndrome; Medulloblastoma. Last evaluated: 2025-12-02. Review status: criteria provided, single submitter. Criteria: Invitae Variant Classification Sherloc (09022015). Collection method: clinical testing. Allele origin: germline.
Comment: This sequence change replaces proline, which is neutral and non-polar, with leucine, which is neutral and non-polar, at codon 23 of the SUFU protein (p.Pro23Leu). This variant is not present in population databases (gnomAD no frequency). This variant has not been reported in the literature in individuals affected with SUFU-related conditions. ClinVar contains an entry for this variant (Variation ID: 1034936). An algorithm developed to predict the effect of missense changes on protein structure and function (PolyPhen-2) suggests that this variant is likely to be disruptive. In summary, the available evidence is currently insufficient to determine the role of this variant in disease. Therefore, it has been classified as a Variant of Uncertain Significance.

Ambry Genetics
Classification: Likely benign for Hereditary cancer-predisposing syndrome. Last evaluated: 2023-12-13. Review status: criteria provided, single submitter. Criteria: Ambry Variant Classification Scheme 2023. Collection method: clinical testing. Allele origin: germline.

NM_016169.4(SUFU):c.68C>T (p.Pro23Leu)

Genes: SUFU (SUFU negative regulator of hedgehog signaling; plus strand), LOC130004614 (ATAC-STARR-seq lymphoblastoid silent region 2764; plus strand). Cytogenetic location: 10q24.32.
Variant type: single nucleotide variant.
Coding change: c.68C>T on transcript NM_016169.4 (MANE Select); coding-DNA position 68, C replaced by T.
Protein change: p.Pro23Leu; replaces proline 23 with leucine.
Molecular consequence: missense variant.
Genome position (GRCh38, 1-based): chr10:102,504,220, C>T. VCF-style: chr10-102504220-C-T. GRCh37 (hg19) VCF-style: chr10-104263977-C-T.
Other names: c.68C>T, p.Pro23Leu (NM_001178133.2); short protein forms P23L.
Identifiers: ClinVar variation 1034936 (VCV001034936.9), dbSNP rs2062290972, ClinGen allele CA377886338.
Genomic context (GRCh38, chr10:102,504,220, plus strand): 5'-AGCTGCGGCCTAGCGGCGCCCCCGGCCCCACCGCGCCCCCGGCCCCTGGCCCGACTGCCC[C>T]CCCGGCCTTCGCTTCGCTCTTTCCCCCGGGACTGCACGCCATCTACGGAGAGTGCCGCCG-3'
Protein context (NP_057253.2, residues 13-33): TAPPAPGPTA[Pro23Leu]PAFASLFPPG